The following is an entry in ClinVar:

NM_001040151.2(SCN3B):c.608C>T (p.Ser203Phe)

Gene: SCN3B (sodium voltage-gated channel beta subunit 3; minus strand). Cytogenetic location: 11q24.1.
Variant type: single nucleotide variant.
Coding change: c.608C>T on transcript NM_001040151.2 (MANE Select); coding-DNA position 608, C replaced by T.
Protein change: p.Ser203Phe; replaces serine 203 with phenylalanine.
Molecular consequence: missense variant.
Genome position (GRCh38, 1-based): chr11:123,634,183, G>A on the plus strand (C>T on the coding strand, the complement: SCN3B is on the minus strand). VCF-style: chr11-123634183-G-A. GRCh37 (hg19) VCF-style: chr11-123504891-G-A.
Other names: c.608C>T, p.Ser203Phe (NM_018400.4); short protein forms S203F.
Identifiers: ClinVar variation 2497037 (VCV002497037.4), dbSNP rs2497555104, ClinGen allele CA383070053.

ClinVar aggregate classification (germline): Uncertain significance. Review status: criteria provided, multiple submitters, no conflicts (2 of 4 stars). 2 submissions from 2 submitters: Uncertain significance (2). Last evaluated 2025-01-27.

Conditions:
Brugada syndrome 7 (BRGDA7). Identifiers: Orphanet 130, MedGen C2751088, MONDO:0013146, OMIM 613120.
Cardiovascular phenotype. Identifiers: MedGen CN230736.

Allele frequency attached by ClinVar (database versions not stated): gnomAD exomes below 0.00001.
gnomAD v4.1: 3 of 1,613,872 alleles (0.00019%); highest among the groups gnomAD compares: Non-Finnish European, 0.00025%; no homozygotes.

Submissions (2):

Labcorp Genetics (formerly Invitae), Labcorp
Classification: Uncertain significance for Brugada syndrome 7. Last evaluated: 2025-01-27. Review status: criteria provided, single submitter. Criteria: Invitae Variant Classification Sherloc (09022015). Collection method: clinical testing. Allele origin: germline.
Comment: This sequence change replaces serine, which is neutral and polar, with phenylalanine, which is neutral and non-polar, at codon 203 of the SCN3B protein (p.Ser203Phe). This variant is not present in population databases (gnomAD no frequency). This variant has not been reported in the literature in individuals affected with SCN3B-related conditions. ClinVar contains an entry for this variant (Variation ID: 2497037). An algorithm developed to predict the effect of missense changes on protein structure and function (PolyPhen-2) suggests that this variant is likely to be disruptive. In summary, the available evidence is currently insufficient to determine the role of this variant in disease. Therefore, it has been classified as a Variant of Uncertain Significance.

Ambry Genetics
Classification: Uncertain significance for Cardiovascular phenotype. Last evaluated: 2023-01-08. Review status: criteria provided, single submitter. Criteria: Ambry Variant Classification Scheme 2023. Collection method: clinical testing. Allele origin: germline.
Comment: The p.S203F variant (also known as c.608C>T), located in coding exon 5 of the SCN3B gene, results from a C to T substitution at nucleotide position 608. The serine at codon 203 is replaced by phenylalanine, an amino acid with highly dissimilar properties. This amino acid position is conserved. In addition, this alteration is predicted to be deleterious by in silico analysis. Since supporting evidence is limited at this time, the clinical significance of this alteration remains unclear.